The following is an entry in ClinVar:

NM_000052.7(ATP7A):c.164A>T (p.Lys55Ile)

Gene: ATP7A (ATPase copper transporting alpha; plus strand). Cytogenetic location: Xq21.1.
Variant type: single nucleotide variant.
Coding change: c.164A>T on transcript NM_000052.7 (MANE Select); coding-DNA position 164, A replaced by T.
Protein change: p.Lys55Ile; replaces lysine 55 with isoleucine.
Molecular consequence: missense variant.
Genome position (GRCh38, 1-based): chrX:77,988,285, A>T. VCF-style: chrX-77988285-A-T. GRCh37 (hg19) VCF-style: chrX-77243781-A-T.
Other names: c.164A>T, p.Lys55Ile (NM_001282224.2); short protein forms K55I.
Identifiers: ClinVar variation 2953512 (VCV002953512.3), dbSNP rs2522288810, ClinGen allele CA413598863.

ClinVar aggregate classification (germline): Uncertain significance (1 of 4 stars; one submission).

Conditions:
Menkes kinky-hair syndrome (MNK). Also called: Classic Menkes Disease; Copper transport disease; Menkes Disease. Identifiers: Orphanet 565, MedGen C0022716, MONDO:0010651, OMIM 309400.
Cutis laxa, X-linked (OHS). Also called: EDS IX; Occipital horn syndrome. Identifiers: Orphanet 198, MedGen C0268353, MONDO:0010572, OMIM 304150.
X-linked distal spinal muscular atrophy type 3. Also called: ATP7A-Related Distal Motor Neuropathy; SPINAL MUSCULAR ATROPHY, DISTAL, X-LINKED RECESSIVE; NEURONOPATHY, DISTAL HEREDITARY MOTOR, X-LINKED; NEUROPATHY, DISTAL HEREDITARY MOTOR, X-LINKED. Identifiers: Orphanet 139557, MedGen C1845359, MONDO:0010338, OMIM 300489.

Submission:

Labcorp Genetics (formerly Invitae), Labcorp
Classification: Uncertain significance for X-linked distal spinal muscular atrophy type 3; Cutis laxa, X-linked; Menkes kinky-hair syndrome. Last evaluated: 2023-11-02. Review status: criteria provided, single submitter. Criteria: Invitae Variant Classification Sherloc (09022015). Collection method: clinical testing. Allele origin: germline.
Comment: This sequence change replaces lysine, which is basic and polar, with isoleucine, which is neutral and non-polar, at codon 55 of the ATP7A protein (p.Lys55Ile). This variant is not present in population databases (gnomAD no frequency). This variant has not been reported in the literature in individuals affected with ATP7A-related conditions. Advanced modeling of protein sequence and biophysical properties (such as structural, functional, and spatial information, amino acid conservation, physicochemical variation, residue mobility, and thermodynamic stability) performed at Invitae indicates that this missense variant is not expected to disrupt ATP7A protein function with a negative predictive value of 95%. In summary, the available evidence is currently insufficient to determine the role of this variant in disease. Therefore, it has been classified as a Variant of Uncertain Significance.